The following is an entry in ClinVar:

NM_002907.4(RECQL):c.321G>C (p.Lys107Asn)

Gene: RECQL (RecQ like helicase; minus strand). Cytogenetic location: 12p12.1.
Variant type: single nucleotide variant.
Coding change: c.321G>C on transcript NM_002907.4 (MANE Select); coding-DNA position 321, G replaced by C.
Protein change: p.Lys107Asn; replaces lysine 107 with asparagine.
Molecular consequence: missense variant.
Genome position (GRCh38, 1-based): chr12:21,490,272, C>G on the plus strand (G>C on the coding strand, the complement: RECQL is on the minus strand). VCF-style: chr12-21490272-C-G. GRCh37 (hg19) VCF-style: chr12-21643206-C-G.
Other names: c.321G>C, p.Lys107Asn (NM_032941.3); short protein forms K107N.
Identifiers: ClinVar variation 1441518 (VCV001441518.12), dbSNP rs564685152, ClinGen allele CA6479131.

ClinVar aggregate classification (germline): Uncertain significance. Review status: criteria provided, multiple submitters, no conflicts (2 of 4 stars). 4 submissions from 4 submitters: Uncertain significance (4). Last evaluated 2025-08-07.

Conditions:
RECON progeroid syndrome (RECON). Identifiers: MedGen C5830504, MONDO:0957266, OMIM 620370.

Allele frequency attached by ClinVar (database versions not stated): gnomAD exomes below 0.00001 and 0.00002; ExAC 0.00003; gnomAD 0.00008; TOPMed 0.00010; 1000 Genomes Project 30x 0.00016; 1000 Genomes Project 0.00020.

Submissions (4):

Labcorp Genetics (formerly Invitae), Labcorp
Classification: Uncertain significance. Last evaluated: 2025-08-07. Review status: criteria provided, single submitter. Criteria: Invitae Variant Classification Sherloc (09022015). Collection method: clinical testing. Allele origin: germline.
Comment: This sequence change replaces lysine, which is basic and polar, with asparagine, which is neutral and polar, at codon 107 of the RECQL protein (p.Lys107Asn). This variant is present in population databases (rs564685152, gnomAD 0.02%). This variant has not been reported in the literature in individuals affected with RECQL-related conditions. ClinVar contains an entry for this variant (Variation ID: 1441518). Invitae Evidence Modeling of protein sequence and biophysical properties (such as structural, functional, and spatial information, amino acid conservation, physicochemical variation, residue mobility, and thermodynamic stability) indicates that this missense variant is not expected to disrupt RECQL protein function with a negative predictive value of 80%. In summary, the available evidence is currently insufficient to determine the role of this variant in disease. Therefore, it has been classified as a Variant of Uncertain Significance.

Ambry Genetics
Classification: Uncertain significance. Last evaluated: 2025-02-20. Review status: criteria provided, single submitter. Criteria: Ambry Variant Classification Scheme 2023. Collection method: clinical testing. Allele origin: germline.
Comment: The p.K107N variant (also known as c.321G>C), located in coding exon 3 of the RECQL gene, results from a G to C substitution at nucleotide position 321. The lysine at codon 107 is replaced by asparagine, an amino acid with similar properties. This amino acid position is not well conserved in available vertebrate species. In addition, this alteration is predicted to be tolerated by in silico analysis. Since supporting evidence is limited at this time, the clinical significance of this alteration remains unclear.

Quest Diagnostics Nichols Institute San Juan Capistrano
Classification: Uncertain significance. Last evaluated: 2024-09-27. Review status: criteria provided, single submitter. Criteria: Quest Diagnostics criteria. Collection method: clinical testing. Allele origin: unknown.
Comment: The RECQL c.321G>C (p.Lys107Asn) variant has not been reported in the published literature. The frequency of this variant in the general population, 0.0002 (5/24962 chromosomes (Genome Aggregation Database)), is uninformative in the assessment of its pathogenicity. Analysis of this variant using bioinformatics tools for the prediction of the effect of amino acid changes on protein structure and function yielded predictions that this variant is benign. Based on the available information, we are unable to determine the clinical significance of this variant.

Fulgent Genetics
Classification: Uncertain significance for RECON progeroid syndrome. Last evaluated: 2024-05-21. Review status: criteria provided, single submitter. Criteria: ACMG Guidelines, 2015. Collection method: clinical testing. Allele origin: germline.